The following is an entry in ClinVar:

ClinVar aggregate classification (germline): Uncertain significance. Review status: criteria provided, multiple submitters, no conflicts (2 of 4 stars). 2 submissions from 2 submitters: Uncertain significance (2). Last evaluated 2021-10-15.

Conditions:
Hereditary cancer-predisposing syndrome. Also called: Hereditary Cancer Syndrome; Tumor predisposition; Neoplastic Syndromes, Hereditary; Hereditary neoplastic syndrome. Identifiers: Orphanet 140162, MedGen C0027672, MeSH D009386, MONDO:0015356.
Oligodontia-cancer predisposition syndrome. Also called: TOOTH AGENESIS-COLORECTAL CANCER SYNDROME. Identifiers: Orphanet 300576, MedGen C1837750, MONDO:0012075, OMIM 608615. Disease mechanism: loss of function.

gnomAD v4.1: 1 of 1,606,490 alleles (0.000062%); highest among the groups gnomAD compares: Non-Finnish European, 0.000085%; no homozygotes.

Submissions (2):

Ambry Genetics
Classification: Uncertain significance for Hereditary cancer-predisposing syndrome. Last evaluated: 2021-10-15. Review status: criteria provided, single submitter. Criteria: Ambry Variant Classification Scheme 2023. Collection method: clinical testing. Allele origin: germline.
Comment: The p.P483L variant (also known as c.1448C>T), located in coding exon 5 of the AXIN2 gene, results from a C to T substitution at nucleotide position 1448. The proline at codon 483 is replaced by leucine, an amino acid with similar properties. This amino acid position is conserved. In addition, this alteration is predicted to be tolerated by in silico analysis. Since supporting evidence is limited at this time, the clinical significance of this alteration remains unclear.

Labcorp Genetics (formerly Invitae), Labcorp
Classification: Uncertain significance for Oligodontia-cancer predisposition syndrome. Last evaluated: 2020-02-13. Review status: criteria provided, single submitter. Criteria: Invitae Variant Classification Sherloc (09022015). Collection method: clinical testing. Allele origin: germline.
Comment: This sequence change replaces proline with leucine at codon 483 of the AXIN2 protein (p.Pro483Leu). The proline residue is weakly conserved and there is a moderate physicochemical difference between proline and leucine. In summary, the available evidence is currently insufficient to determine the role of this variant in disease. Therefore, it has been classified as a Variant of Uncertain Significance. Algorithms developed to predict the effect of missense changes on protein structure and function (SIFT, PolyPhen-2, Align-GVGD) all suggest that this variant is likely to be tolerated, but these predictions have not been confirmed by published functional studies and their clinical significance is uncertain. This variant has not been reported in the literature in individuals with AXIN2-related conditions. This variant is not present in population databases (ExAC no frequency).

NM_004655.4(AXIN2):c.1448C>T (p.Pro483Leu)

Gene: AXIN2 (axin 2; minus strand). Cytogenetic location: 17q24.1.
Variant type: single nucleotide variant.
Coding change: c.1448C>T on transcript NM_004655.4 (MANE Select); coding-DNA position 1448, C replaced by T.
Protein change: p.Pro483Leu; replaces proline 483 with leucine.
Molecular consequence: missense variant.
Genome position (GRCh38, 1-based): chr17:65,537,588, G>A on the plus strand (C>T on the coding strand, the complement: AXIN2 is on the minus strand). VCF-style: chr17-65537588-G-A. GRCh37 (hg19) VCF-style: chr17-63533706-G-A.
Other names: c.1448C>T, p.Pro483Leu (NM_001363813.1); short protein forms P483L.
Identifiers: ClinVar variation 1014378 (VCV001014378.11), dbSNP rs530465133, ClinGen allele CA400677477.